The following is an entry in ClinVar:

NM_002739.5(PRKCG):c.453T>C (p.Gly151=)

Gene: PRKCG (protein kinase C gamma; plus strand). Cytogenetic location: 19q13.42.
Variant type: single nucleotide variant.
Coding change: c.453T>C on transcript NM_002739.5 (MANE Select); coding-DNA position 453, T replaced by C.
Protein change: p.Gly151=; no amino-acid change (glycine 151 retained).
Molecular consequence: synonymous variant.
Genome position (GRCh38, 1-based): chr19:53,889,941, T>C. VCF-style: chr19-53889941-T-C. GRCh37 (hg19) VCF-style: chr19-54393195-T-C.
Other names: c.453T>C, p.Gly151= (NM_001316329.2).
Identifiers: ClinVar variation 3571738 (VCV003571738.1).

ClinVar aggregate classification (germline): Uncertain significance (1 of 4 stars; one submission).

gnomAD v4.1: 1 of 1,581,348 alleles (0.000063%); highest among the groups gnomAD compares: Non-Finnish European, 0.000086%; no homozygotes.

Submission:

Athena Diagnostics
Classification: Uncertain significance. Last evaluated: 2023-12-20. Review status: criteria provided, single submitter. Criteria: Athena Diagnostics Criteria. Collection method: clinical testing. Allele origin: unknown.
Comment: Available data are insufficient to determine the clinical significance of the variant at this time. This variant has not been reported in large, multi-ethnic general populations. Computational tools yielded predictions that this variant is unlikely to have an effect on normal RNA splicing.